The following is an entry in ClinVar:

NM_001378477.3(NYX):c.895C>G (p.Leu299Val)

Gene: NYX (nyctalopin; plus strand). Cytogenetic location: Xp11.4.
Variant type: single nucleotide variant.
Coding change: c.895C>G on transcript NM_001378477.3 (MANE Select); coding-DNA position 895, C replaced by G.
Protein change: p.Leu299Val; replaces leucine 299 with valine.
Molecular consequence: missense variant.
Genome position (GRCh38, 1-based): chrX:41,474,363, C>G. VCF-style: chrX-41474363-C-G. GRCh37 (hg19) VCF-style: chrX-41333616-C-G.
Other names: c.895C>G, p.Leu299Val (NM_022567.3); short protein forms L299V.
Identifiers: ClinVar variation 3614015 (VCV003614015.3).

ClinVar aggregate classification (germline): Uncertain significance. Review status: criteria provided, multiple submitters, no conflicts (2 of 4 stars). 2 submissions from 2 submitters: Uncertain significance (2). Last evaluated 2024-01-31.

Submissions (2):

Labcorp Genetics (formerly Invitae), Labcorp
Classification: Uncertain significance. Last evaluated: 2024-01-31. Review status: criteria provided, single submitter. Criteria: Invitae Variant Classification Sherloc (09022015). Collection method: clinical testing. Allele origin: germline.
Comment: This sequence change replaces leucine, which is neutral and non-polar, with valine, which is neutral and non-polar, at codon 304 of the NYX protein (p.Leu304Val). This variant is present in population databases (rs376514245, gnomAD 0.007%). This variant has not been reported in the literature in individuals affected with NYX-related conditions. Advanced modeling of protein sequence and biophysical properties (such as structural, functional, and spatial information, amino acid conservation, physicochemical variation, residue mobility, and thermodynamic stability) performed at Invitae indicates that this missense variant is not expected to disrupt NYX protein function with a negative predictive value of 80%. In summary, the available evidence is currently insufficient to determine the role of this variant in disease. Therefore, it has been classified as a Variant of Uncertain Significance.

Blueprint Genetics
Classification: Uncertain significance. Last evaluated: 2019-02-07. Review status: criteria provided, single submitter. Criteria: ACMG Guidelines, 2015. Collection method: clinical testing. Allele origin: germline.